The following is an entry in ClinVar:

NM_003638.3(ITGA8):c.707T>A (p.Ile236Asn)

Gene: ITGA8 (integrin subunit alpha 8; minus strand). Cytogenetic location: 10p13.
Variant type: single nucleotide variant.
Coding change: c.707T>A on transcript NM_003638.3 (MANE Select); coding-DNA position 707, T replaced by A.
Protein change: p.Ile236Asn; replaces isoleucine 236 with asparagine.
Molecular consequence: missense variant.
Genome position (GRCh38, 1-based): chr10:15,672,719, A>T on the plus strand (T>A on the coding strand, the complement: ITGA8 is on the minus strand). VCF-style: chr10-15672719-A-T. GRCh37 (hg19) VCF-style: chr10-15714718-A-T.
Other names: c.707T>A, p.Ile236Asn (NM_001291494.2); short protein forms I236N.
Identifiers: ClinVar variation 2497952 (VCV002497952.1), dbSNP rs1269320107, ClinGen allele CA376105481.
Genomic context (GRCh38, chr10:15,672,719, plus strand): 5'-TCCGTCTGCTTTTCTCCTGCCAGTTTCCTGAGGATATCCTTGAATGAGTAATTTGCAATG[A>T]TATCTGCAACACTGGCAGTGATCACTTGTCCTGTGTTTAAACAAATTAATACGTTAACTG-3'
Protein context (NP_003629.2, residues 226-246): GQVITASVAD[Ile236Asn]IANYSFKDIL

ClinVar aggregate classification (germline): Uncertain significance (1 of 4 stars; one submission).

Allele frequency attached by ClinVar (database versions not stated): TOPMed 0.00001.
gnomAD v4.1: 4 of 1,613,200 alleles (0.00025%); highest among the groups gnomAD compares: Non-Finnish European, 0.00034%; no homozygotes.

Submission:

GeneDx
Classification: Uncertain significance. Last evaluated: 2022-10-10. Review status: criteria provided, single submitter. Criteria: GeneDx Variant Classification Process June 2021. Collection method: clinical testing. Allele origin: germline. Affected: yes.
Comment: Not observed at significant frequency in large population cohorts (gnomAD); In silico analysis supports that this missense variant has a deleterious effect on protein structure/function; Has not been previously published as pathogenic or benign to our knowledge